The following is an entry in ClinVar:

ClinVar aggregate classification (germline): Conflicting classifications of pathogenicity. Review status: criteria provided, conflicting classifications (1 of 4 stars). 5 submissions from 5 submitters: Uncertain significance (1); Likely benign (4). Last evaluated 2024-11-04.

Conditions:
Autosomal recessive nonsyndromic hearing loss 30. Identifiers: Orphanet 90636, MedGen C1846784, MONDO:0011774, OMIM 607101.

Allele frequency attached by ClinVar (database versions not stated): ExAC 0.00008; gnomAD exomes 0.00013 and 0.00031; gnomAD 0.00016 and 0.00017; TOPMed 0.00016; ESP Exome Variant Server 0.00031.
gnomAD v4.1: 467 of 1,612,942 alleles (0.029%); highest among the groups gnomAD compares: Non-Finnish European, 0.038%; no homozygotes.

Submissions (5):

Women's Health and Genetics/Laboratory Corporation of America, LabCorp
Classification: Likely benign. Last evaluated: 2024-11-04. Review status: criteria provided, single submitter. Criteria: LabCorp Variant Classification Summary - May 2015. Collection method: clinical testing. Allele origin: germline.

Labcorp Genetics (formerly Invitae), Labcorp
Classification: Likely benign. Last evaluated: 2024-08-31. Review status: criteria provided, single submitter. Criteria: Invitae Variant Classification Sherloc (09022015). Collection method: clinical testing. Allele origin: germline.

Blueprint Genetics
Classification: Likely benign. Last evaluated: 2023-06-02. Review status: criteria provided, single submitter. Criteria: ACMG Guidelines, 2015. Collection method: clinical testing. Allele origin: germline.

Illumina Laboratory Services, Illumina
Classification: Uncertain significance for Autosomal recessive nonsyndromic hearing loss 30. Last evaluated: 2018-01-13. Review status: criteria provided, single submitter. Criteria: ICSL Variant Classification Criteria 13 December 2019. Collection method: clinical testing. Allele origin: germline.

Laboratory for Molecular Medicine, Mass General Brigham Personalized Medicine
Classification: Likely benign. Last evaluated: 2012-04-30. Review status: criteria provided, single submitter. Criteria: LMM Criteria. Collection method: clinical testing. Allele origin: germline. Observed: 1 variant allele.
Comment: c.4730+11A>C in intron 34 of MYO3A: This variant is not expected to have clinica l significance because it is not located within the splice consensus sequence. I t has been identified in 1/7018 European American chromosomes by the NHLBI Exome Sequencing Project.

NM_017433.5(MYO3A):c.4730+11A>C

Gene: MYO3A (myosin IIIA; plus strand). Cytogenetic location: 10p12.1.
Variant type: single nucleotide variant.
Coding change: c.4730+11A>C on transcript NM_017433.5 (MANE Select); 11 bases into the intron after coding-DNA position 4730, A replaced by C.
Molecular consequence: intron variant.
Genome position (GRCh38, 1-based): chr10:26,203,118, A>C. VCF-style: chr10-26203118-A-C. GRCh37 (hg19) VCF-style: chr10-26492047-A-C.
Identifiers: ClinVar variation 227671 (VCV000227671.11), dbSNP rs375717548, ClinGen allele CA5445551.